The following is an entry in ClinVar:

NM_201525.4(ADGRG1):c.1934-4G>A

Gene: ADGRG1 (adhesion G protein-coupled receptor G1; plus strand). Cytogenetic location: 16q21.
Variant type: single nucleotide variant.
Coding change: c.1934-4G>A on transcript NM_201525.4 (MANE Select); 4 bases into the intron before coding-DNA position 1934, G replaced by A.
Molecular consequence: intron variant.
Genome position (GRCh38, 1-based): chr16:57,663,448, G>A. VCF-style: chr16-57663448-G-A. GRCh37 (hg19) VCF-style: chr16-57697360-G-A.
Other names: c.1934-4G>A (NM_001370440.1, NM_001370436.1, NM_001370438.1 and 7 more transcripts); c.1952-4G>A (NM_001370428.1, NM_001370430.1, NM_001370431.1 and 4 more transcripts); c.1442-4G>A (NM_001290142.2); c.1409-4G>A (NM_001370451.1, NM_001370453.1, NM_001370454.1 and 1 more transcripts); c.1427-4G>A (NM_001290143.2); c.1949-4G>A (NM_001370434.1, NM_001370433.1, NM_001145773.3); c.1778-4G>A (NM_001370442.1); c.1931-4G>A (NM_001370441.1).
Identifiers: ClinVar variation 513222 (VCV000513222.11), dbSNP rs761336676, ClinGen allele CA8078909.

ClinVar aggregate classification (germline): Likely benign. Review status: criteria provided, multiple submitters, no conflicts (2 of 4 stars). 2 submissions from 2 submitters: Likely benign (2). Last evaluated 2026-01-20.

Allele frequency attached by ClinVar (database versions not stated): gnomAD 0.00002 and 0.00003; ExAC 0.00003; gnomAD exomes 0.00003; TOPMed 0.00006.
gnomAD v4.1: 52 of 1,613,742 alleles (0.0032%); highest among the groups gnomAD compares: Middle Eastern, 0.016%; no homozygotes.

Submissions (2):

Labcorp Genetics (formerly Invitae), Labcorp
Classification: Likely benign. Last evaluated: 2026-01-20. Review status: criteria provided, single submitter. Criteria: Invitae Variant Classification Sherloc (09022015). Collection method: clinical testing. Allele origin: germline.

GeneDx
Classification: Likely benign. Last evaluated: 2017-11-08. Review status: criteria provided, single submitter. Criteria: GeneDx Variant Classification (06012015). Collection method: clinical testing. Allele origin: germline. Affected: yes.
Comment: This variant is considered likely benign or benign based on one or more of the following criteria: it is a conservative change, it occurs at a poorly conserved position in the protein, it is predicted to be benign by multiple in silico algorithms, and/or has population frequency not consistent with disease.